The following is an entry in ClinVar:

ClinVar aggregate classification (germline): Benign/Likely benign. Review status: criteria provided, multiple submitters, no conflicts (2 of 4 stars). 8 submissions from 8 submitters: Benign (2); Likely benign (3). 3 of the submissions do not count toward it. Last evaluated 2025-12-20.

Conditions:
Arrhythmogenic right ventricular dysplasia 5. Also called: ARRHYTHMOGENIC RIGHT VENTRICULAR DYSPLASIA, FAMILIAL, 5; Arrhythmogenic Right Ventricular Dysplasia/Cardiomyopathy 5. Identifiers: MedGen C1858379, MONDO:0011459, OMIM 604400.
Auditory neuropathy, autosomal dominant 3 (AUNA3). Identifiers: MedGen C5676964, MONDO:0859235, OMIM 619832.
Emery-Dreifuss muscular dystrophy 7, autosomal dominant (EDMD7). Also called: Emery-Dreifuss muscular dystrophy 7, AD. Identifiers: Orphanet 261, MedGen C3553060, MONDO:0013677, OMIM 614302.

Allele frequency attached by ClinVar (database versions not stated): gnomAD 0.00005 and 0.00009; TOPMed 0.00008; 1000 Genomes Project 0.00020; gnomAD exomes 0.00023; ExAC 0.00031; 1000 Genomes Project 30x 0.00047.
gnomAD v4.1: 294 of 1,614,036 alleles (0.018%); highest among the groups gnomAD compares: South Asian, 0.14%; 1 homozygote.

Submissions (8):

Labcorp Genetics (formerly Invitae), Labcorp
Classification: Benign for Arrhythmogenic right ventricular dysplasia 5. Last evaluated: 2025-12-20. Review status: criteria provided, single submitter. Criteria: Invitae Variant Classification Sherloc (09022015). Collection method: clinical testing. Allele origin: germline.

Blueprint Genetics
Classification: Likely benign. Last evaluated: 2023-12-19. Review status: criteria provided, single submitter. Criteria: ACMG Guidelines, 2015. Collection method: clinical testing. Allele origin: germline.

Women's Health and Genetics/Laboratory Corporation of America, LabCorp
Classification: Benign. Last evaluated: 2022-04-17. Review status: criteria provided, single submitter. Criteria: LabCorp Variant Classification Summary - May 2015. Collection method: clinical testing. Allele origin: germline.

Fulgent Genetics
Classification: Likely benign for Arrhythmogenic right ventricular dysplasia 5; Emery-Dreifuss muscular dystrophy 7, autosomal dominant; Auditory neuropathy, autosomal dominant 3. Last evaluated: 2021-08-11. Review status: criteria provided, single submitter. Criteria: ACMG Guidelines, 2015. Collection method: clinical testing. Allele origin: unknown.

GeneDx
Classification: Likely benign. Last evaluated: 2018-02-09. Review status: criteria provided, single submitter. Criteria: GeneDx Variant Classification (06012015). Collection method: clinical testing. Allele origin: germline. Affected: yes.
Comment: This variant is considered likely benign or benign based on one or more of the following criteria: it is a conservative change, it occurs at a poorly conserved position in the protein, it is predicted to be benign by multiple in silico algorithms, and/or has population frequency not consistent with disease.

Clinical Genetics DNA and cytogenetics Diagnostics Lab, Erasmus MC, Erasmus Medical Center
Classification: Benign. Review status: no assertion criteria provided. Collection method: clinical testing. Allele origin: germline. Affected: yes. Study: VKGL Data-share Consensus. Not counted in ClinVar's aggregate classification.

Clinical Genetics, Academic Medical Center
Classification: Benign. Review status: no assertion criteria provided. Collection method: clinical testing. Allele origin: germline. Affected: yes. Study: VKGL Data-share Consensus. Not counted in ClinVar's aggregate classification.

Genome Diagnostics Laboratory, University Medical Center Utrecht
Classification: Likely benign. Review status: no assertion criteria provided. Collection method: clinical testing. Allele origin: germline. Affected: yes. Study: VKGL Data-share Consensus. Not counted in ClinVar's aggregate classification.

NM_024334.3(TMEM43):c.442+12G>C

Gene: TMEM43 (transmembrane protein 43; plus strand). Cytogenetic location: 3p25.1.
Variant type: single nucleotide variant.
Coding change: c.442+12G>C on transcript NM_024334.3 (MANE Select); 12 bases into the intron after coding-DNA position 442, G replaced by C.
Molecular consequence: intron variant.
Genome position (GRCh38, 1-based): chr3:14,132,607, G>C. VCF-style: chr3-14132607-G-C. GRCh37 (hg19) VCF-style: chr3-14174107-G-C.
Identifiers: ClinVar variation 516731 (VCV000516731.15), dbSNP rs530183718, ClinGen allele CA053577.